The following is an entry in ClinVar:

NM_000334.4(SCN4A):c.4198T>A (p.Cys1400Ser)

Genes: GH-LCR (growth hormone locus control region; plus strand), SCN4A (sodium voltage-gated channel alpha subunit 4; minus strand). Cytogenetic location: 17q23.3.
Variant type: single nucleotide variant.
Coding change: c.4198T>A on transcript NM_000334.4 (MANE Select); coding-DNA position 4198, T replaced by A.
Protein change: p.Cys1400Ser; replaces cysteine 1400 with serine.
Molecular consequence: missense variant.
Genome position (GRCh38, 1-based): chr17:63,942,916, A>T on the plus strand (T>A on the coding strand, the complement: SCN4A is on the minus strand). VCF-style: chr17-63942916-A-T. GRCh37 (hg19) VCF-style: chr17-62020276-A-T.
Other names: short protein forms C1400S.
Identifiers: ClinVar variation 1364206 (VCV001364206.8), dbSNP rs2144776208, ClinGen allele CA400616509.

ClinVar aggregate classification (germline): Uncertain significance (1 of 4 stars; one submission).

Conditions:
Hyperkalemic periodic paralysis. Also called: Familial hyperkalemic periodic paralysis; Gamstorp disease. Identifiers: Orphanet 682, MedGen C0238357, MONDO:0008224, OMIM 170500, HP:0007215.

Submission:

Labcorp Genetics (formerly Invitae), Labcorp
Classification: Uncertain significance for Hyperkalemic periodic paralysis. Last evaluated: 2021-06-27. Review status: criteria provided, single submitter. Criteria: Invitae Variant Classification Sherloc (09022015). Collection method: clinical testing. Allele origin: germline.
Comment: This sequence change replaces cysteine with serine at codon 1400 of the SCN4A protein (p.Cys1400Ser). The cysteine residue is highly conserved and there is a moderate physicochemical difference between cysteine and serine. This variant is not present in population databases (ExAC no frequency). This variant has not been reported in the literature in individuals affected with SCN4A-related conditions. Algorithms developed to predict the effect of missense changes on protein structure and function (SIFT, PolyPhen-2, Align-GVGD) all suggest that this variant is likely to be disruptive. In summary, the available evidence is currently insufficient to determine the role of this variant in disease. Therefore, it has been classified as a Variant of Uncertain Significance.